The following is an entry in ClinVar:

ClinVar aggregate classification (germline): Pathogenic. Review status: criteria provided, multiple submitters, no conflicts (2 of 4 stars). 10 submissions from 10 submitters: Pathogenic (9). 1 of the submissions does not count toward it. Last evaluated 2024-01-18.

Conditions:
X-linked intellectual disability, Cantagrel type (XLID98). Also called: INTELLECTUAL DEVELOPMENTAL DISORDER, X-LINKED 98. Identifiers: Orphanet 85277, MedGen C3806730, MONDO:0010483, OMIM 300912.

Submissions (10):

Clinical Genomics Laboratory, Washington University in St. Louis
Classification: Pathogenic for X-linked intellectual disability, Cantagrel type. Last evaluated: 2024-01-18. Review status: criteria provided, single submitter. Criteria: ACMG Guidelines, 2015. Collection method: clinical testing. Allele origin: germline. Affected: yes.
Comment: The NEXMIF c.1441C>T (p.Arg481Ter) variant has been reported to occur de novo in at least one individual and has been described in at least three families with intellectual disability, with both affected males and females described (de Lange IM et al., PMID: 27358180; Stamberger H et al., PMID: 33144681; Webster R et al., PMID: 27568816; Brea-Fern√°ndez AJ et al., PMID: 35322241). This variant has been reported in the ClinVar database as a germline pathogenic variant by nine submitters and is absent from the general population (gnomAD v.2.1.1), indicating it is not a common variant. This variant causes a premature termination codon, which is predicted to lead to nonsense mediated decay. Based on available information and the ACMG/AMP guidelines for variant interpretation (Richards S et al., PMID: 25741868), this variant is classified as pathogenic.

Labcorp Genetics (formerly Invitae), Labcorp
Classification: Pathogenic. Last evaluated: 2023-12-07. Review status: criteria provided, single submitter. Criteria: Invitae Variant Classification Sherloc (09022015). Collection method: clinical testing. Allele origin: germline.
Comment: This sequence change creates a premature translational stop signal (p.Arg481*) in the NEXMIF gene. It is expected to result in an absent or disrupted protein product. Loss-of-function variants in NEXMIF are known to be pathogenic (PMID: 23615299). This variant is not present in population databases (gnomAD no frequency). This premature translational stop signal has been observed in individual(s) with clinical features of NEXMIF-related conditions (PMID: 27358180). In at least one individual the variant was observed to be de novo. ClinVar contains an entry for this variant (Variation ID: 280509). For these reasons, this variant has been classified as Pathogenic.

GeneDx
Classification: Pathogenic. Last evaluated: 2023-01-30. Review status: criteria provided, single submitter. Criteria: GeneDx Variant Classification Process June 2021. Collection method: clinical testing. Allele origin: germline. Affected: yes.
Comment: Nonsense variant predicted to result in protein truncation or nonsense mediated decay in a gene for which loss-of-function is a known mechanism of disease; Not observed in large population cohorts (gnomAD); This variant is associated with the following publications: (PMID: 27568816, 27358180, 33144681, 31175295, 35032046)

Institute of Medical Genetics and Applied Genomics, University Hospital Tübingen
Classification: Pathogenic for X-linked intellectual disability, Cantagrel type. Last evaluated: 2022-12-07. Review status: criteria provided, single submitter. Criteria: ACMG Guidelines, 2015. Collection method: clinical testing. Allele origin: germline. Inheritance: X-linked dominant inheritance. Affected: yes.

Institute of Human Genetics, University of Leipzig Medical Center
Classification: Pathogenic for X-linked intellectual disability, Cantagrel type. Last evaluated: 2022-05-11. Review status: criteria provided, single submitter. Criteria: ACMG Guidelines, 2015. Collection method: clinical testing. Allele origin: de novo. Affected: yes.
Comment: This variant was identified as de novo (maternity and paternity confirmed)._x000D_ Criteria applied: PVS1, PS2_MOD, PS4_MOD, PM2_SUP

Revvity Omics, Revvity
Classification: Pathogenic for X-linked intellectual disability, Cantagrel type. Last evaluated: 2021-11-09. Review status: criteria provided, single submitter. Criteria: ACMG Guidelines, 2015. Collection method: clinical testing. Allele origin: germline.

Ambry Genetics
Classification: Pathogenic. Last evaluated: 2020-09-30. Review status: criteria provided, single submitter. Criteria: Ambry Variant Classification Scheme 2023. Collection method: clinical testing. Allele origin: germline.
Comment: The c.1441C>T (p.R481*) alteration, located in exon 3 (coding exon 2) of the KIAA2022 gene, consists of a C to T substitution at nucleotide position 1441. This changes the amino acid from an arginine (R) to a stop codon at amino acid position 481. This alteration is expected to result in loss of function by premature protein truncation or nonsense-mediated mRNA decay. In our internal cohort, this variant occurred de novo in two females; one individual presented with epilepsy while the other presented with hypotonia, developmental delay, and dysmorphic features (Ambry internal data). Based on the available evidence, this alteration is classified as pathogenic.

CeGaT Center for Human Genetics Tuebingen
Classification: Pathogenic. Last evaluated: 2019-07-01. Review status: criteria provided, single submitter. Criteria: CeGaT Center For Human Genetics Tuebingen Variant Classification Criteria Version 2. Collection method: clinical testing. Allele origin: germline. Affected: yes. Observed: 1 variant allele.

Kasturba Medical College, Manipal, Kasturba Medical College, Manipal, Manipal Academy of Higher Education, Manipal, India
Classification: Pathogenic for X-linked intellectual disability, Cantagrel type. Review status: criteria provided, single submitter. Criteria: ACMG Guidelines, 2015. Collection method: clinical testing. Allele origin: de novo. Inheritance: X-linked dominant inheritance. Affected: yes. Observed: 1 hemizygote.

OMIM
Classification: Pathogenic for INTELLECTUAL DEVELOPMENTAL DISORDER, X-LINKED 98. Last evaluated: 2021-08-20. Review status: no assertion criteria provided. Collection method: literature only. Allele origin: germline. Not counted in ClinVar's aggregate classification.

Literature cited by the submitters: PubMed 23615299 (cited by Labcorp Genetics (formerly Invitae), Labcorp); PubMed 27358180 (cited by 4 submitters).

NM_001008537.3(NEXMIF):c.1441C>T (p.Arg481Ter)

Gene: NEXMIF (neurite extension and migration factor; minus strand). Cytogenetic location: Xq13.3.
Variant type: single nucleotide variant.
Coding change: c.1441C>T on transcript NM_001008537.3 (MANE Select); coding-DNA position 1441, C replaced by T.
Protein change: p.Arg481Ter; replaces arginine 481 with a stop codon.
Molecular consequence: nonsense.
Genome position (GRCh38, 1-based): chrX:74,743,116, G>A on the plus strand (C>T on the coding strand, the complement: NEXMIF is on the minus strand). VCF-style: chrX-74743116-G-A. GRCh37 (hg19) VCF-style: chrX-73962951-G-A.
Other names: short protein forms R481*.
Identifiers: ClinVar variation 280509 (VCV000280509.70), dbSNP rs886041701, ClinGen allele CA10603638.
Genomic context (GRCh38, chrX:74,743,116, plus strand): 5'-CCTCTAGTGAGTCAACATCATATAGATAATCTTCACTGTATCTGACTTTTCTCTTGGCTC[G>A]CAGCCCATAGTTCTGTTGGGAGGAGGAGCTGCCAGAATTAGTGTCCCGAGCCATATAGCG-3'